The following is an entry in ClinVar:

ClinVar aggregate classification (germline): Uncertain significance (1 of 4 stars; one submission).

Submission:

Ambry Genetics
Classification: Uncertain significance. Last evaluated: 2024-04-10. Review status: criteria provided, single submitter. Criteria: Ambry Variant Classification Scheme 2023. Collection method: clinical testing. Allele origin: germline.
Comment: The p.R41H variant (also known as c.122G>A), located in coding exon 1 of the GALNT12 gene, results from a G to A substitution at nucleotide position 122. The arginine at codon 41 is replaced by histidine, an amino acid with highly similar properties. This amino acid position is conserved. In addition, this alteration is predicted to be tolerated by in silico analysis. Based on the available evidence, the clinical significance of this variant remains unclear.

NM_024642.5(GALNT12):c.122G>A (p.Arg41His)

Gene: GALNT12 (polypeptide N-acetylgalactosaminyltransferase 12; plus strand). Cytogenetic location: 9q22.33.
Variant type: single nucleotide variant.
Coding change: c.122G>A on transcript NM_024642.5 (MANE Select); coding-DNA position 122, G replaced by A.
Protein change: p.Arg41His; replaces arginine 41 with histidine.
Molecular consequence: missense variant.
Genome position (GRCh38, 1-based): chr9:98,807,820, G>A. VCF-style: chr9-98807820-G-A. GRCh37 (hg19) VCF-style: chr9-101570102-G-A.
Other names: short protein forms R41H.
Identifiers: ClinVar variation 3280552 (VCV003280552.1).